The following is an entry in ClinVar:

NM_032119.4(ADGRV1):c.13550T>C (p.Ile4517Thr)

Gene: ADGRV1 (adhesion G protein-coupled receptor V1; plus strand). Cytogenetic location: 5q14.3.
Variant type: single nucleotide variant.
Coding change: c.13550T>C on transcript NM_032119.4 (MANE Select); coding-DNA position 13550, T replaced by C.
Protein change: p.Ile4517Thr; replaces isoleucine 4517 with threonine.
Molecular consequence: missense variant. On other transcripts: non-coding transcript variant (1).
Genome position (GRCh38, 1-based): chr5:90,783,954, T>C. VCF-style: chr5-90783954-T-C. GRCh37 (hg19) VCF-style: chr5-90079771-T-C.
Other names: short protein forms I4517T.
Identifiers: ClinVar variation 842306 (VCV000842306.19), dbSNP rs748263327, ClinGen allele CA3341551.

ClinVar aggregate classification (germline): Conflicting classifications of pathogenicity. Review status: criteria provided, conflicting classifications (1 of 4 stars). 6 submissions from 6 submitters: Uncertain significance (5); Likely benign (1). Last evaluated 2026-03-14.

Conditions:
ADGRV1-related disorder. Also called: ADGRV1-related condition; ADGRV1-related disorders.
Inborn genetic diseases. Identifiers: MedGen C0950123, MeSH D030342.
Usher syndrome type 2C. Also called: Usher syndrome, type 2B; USHER SYNDROME, TYPE IIC. Identifiers: Orphanet 231178, Orphanet 886, MedGen C2931213, MONDO:0011558, OMIM 605472.

Allele frequency attached by ClinVar (database versions not stated): gnomAD 0.00008; TOPMed 0.00009; 1000 Genomes Project 30x 0.00016; ExAC 0.00004; gnomAD exomes 0.00004.
gnomAD v4.1: 45 of 1,612,400 alleles (0.0028%); highest among the groups gnomAD compares: African/African-American, 0.02%; no homozygotes.

Submissions (6):

PreventionGenetics, part of Exact Sciences
Classification: Uncertain significance for ADGRV1-related condition. Last evaluated: 2026-03-14. Review status: criteria provided, single submitter. Criteria: ACMG Guidelines, 2015. Collection method: clinical testing. Allele origin: germline.
Comment: The ADGRV1 c.13550T>C variant is predicted to result in the amino acid substitution p.Ile4517Thr. To our knowledge, this variant has not been reported in the literature. This variant is reported in 0.026% of alleles in individuals of African descent in gnomAD. At this time, the clinical significance of this variant is uncertain due to the absence of conclusive functional and genetic evidence.

Labcorp Genetics (formerly Invitae), Labcorp
Classification: Likely benign. Last evaluated: 2025-09-29. Review status: criteria provided, single submitter. Criteria: Invitae Variant Classification Sherloc (09022015). Collection method: clinical testing. Allele origin: germline.

GeneDx
Classification: Uncertain significance. Last evaluated: 2025-05-23. Review status: criteria provided, single submitter. Criteria: GeneDx Variant Classification Process June 2021. Collection method: clinical testing. Allele origin: germline.
Comment: In silico analysis supports that this missense variant has a deleterious effect on protein structure/function; Has not been previously published as pathogenic or benign to our knowledge

Blueprint Genetics
Classification: Uncertain significance. Last evaluated: 2023-09-11. Review status: criteria provided, single submitter. Criteria: ACMG Guidelines, 2015. Collection method: clinical testing. Allele origin: germline.

Ambry Genetics
Classification: Uncertain significance for Inborn genetic diseases. Last evaluated: 2023-02-09. Review status: criteria provided, single submitter. Criteria: Ambry Variant Classification Scheme 2023. Collection method: clinical testing. Allele origin: germline.

Illumina Laboratory Services, Illumina
Classification: Uncertain significance for Usher syndrome type 2C. Last evaluated: 2018-01-12. Review status: criteria provided, single submitter. Criteria: ICSL Variant Classification Criteria 13 December 2019. Collection method: clinical testing. Allele origin: germline.